The following is an entry in ClinVar:

ClinVar aggregate classification (germline): Conflicting classifications of pathogenicity. Review status: criteria provided, conflicting classifications (1 of 4 stars). 6 submissions from 6 submitters: Uncertain significance (5); Likely benign (1). Last evaluated 2026-04-09.

Conditions:
RB1-related disorder. Also called: RB1-related condition.
Hereditary cancer-predisposing syndrome. Also called: Tumor predisposition; Neoplastic Syndromes, Hereditary; Hereditary neoplastic syndrome; Hereditary Cancer Syndrome. Identifiers: Orphanet 140162, MedGen C0027672, MeSH D009386, MONDO:0015356.
Malignant tumor of urinary bladder. Also called: Urinary Bladder Neoplasms; Bladder cancer; Urinary bladder cancer. Identifiers: MedGen C0005684, MONDO:0001187, OMIM 109800.
Retinoblastoma (RB1). Also called: RETINOBLASTOMA, SOMATIC. Identifiers: Orphanet 790, MedGen C0035335, MeSH D012175, MONDO:0008380, OMIM 180200, HP:0009919. Disease mechanism: loss of function. Inheritance: Both sporadic and heritable forms are tested..

Allele frequency attached by ClinVar (database versions not stated): gnomAD exomes 0.00001 and below 0.00001.
gnomAD v4.1: 3 of 1,613,728 alleles (0.00019%); highest among the groups gnomAD compares: Non-Finnish European, 0.00025%; no homozygotes.

Submissions (6):

Ambry Genetics
Classification: Uncertain significance for Hereditary cancer-predisposing syndrome. Last evaluated: 2026-04-09. Review status: criteria provided, single submitter. Criteria: Ambry Variant Classification Scheme 2023. Collection method: clinical testing. Allele origin: germline.
Comment: The p.L872P variant (also known as c.2615T>C), located in coding exon 25 of the RB1 gene, results from a T to C substitution at nucleotide position 2615. The leucine at codon 872 is replaced by proline, an amino acid with similar properties. This variant was detected as heterozygous in individual(s) with no reported features of RB1-related retinoblastoma (Ambry internal data). This amino acid position is highly conserved in available vertebrate species. In addition, this alteration is predicted to be deleterious by in silico analysis. Since supporting evidence is limited at this time, the clinical significance of this alteration remains unclear.

Labcorp Genetics (formerly Invitae), Labcorp
Classification: Likely benign for Retinoblastoma. Last evaluated: 2025-11-24. Review status: criteria provided, single submitter. Criteria: Invitae Variant Classification Sherloc (09022015). Collection method: clinical testing. Allele origin: germline.

Color Diagnostics, LLC DBA Color Health
Classification: Uncertain significance for Retinoblastoma. Last evaluated: 2025-09-11. Review status: criteria provided, single submitter. Criteria: ACMG Guidelines, 2015. Collection method: clinical testing. Allele origin: germline.
Comment: This missense variant replaces leucine with proline at codon 872 of the RB1 protein. Computational prediction suggests that this variant may have deleterious impact on protein structure and function. To our knowledge, functional studies have not been reported for this variant. This variant has not been reported in individuals affected with RB1-related disorders in the literature. This variant has been identified in 1/251332 chromosomes in the general population by the Genome Aggregation Database (gnomAD). The available evidence is insufficient to determine the role of this variant in disease conclusively. Therefore, this variant is classified as a Variant of Uncertain Significance.

St. Jude Molecular Pathology, St. Jude Children's Research Hospital
Classification: Uncertain significance for Retinoblastoma. Last evaluated: 2024-05-12. Review status: criteria provided, single submitter. Criteria: St. Jude Assertion Criteria 2020. Collection method: clinical testing. Allele origin: germline.
Comment: The RB1 c.2615T>C (p.Leu872Pro) missense change has a maximum subpopulation frequency of 0.0009% in gnomAD v2.1.1. The in silico tool REVEL predicts a deleterious effect on protein function, but to our knowledge this prediction has not been confirmed by functional studies. To our knowledge, this variant has not been reported in individuals with retinoblastoma. In summary, the evidence currently available is insufficient to determine the clinical significance of this variant. It has therefore been classified as of uncertain significance.

Baylor Genetics
Classification: Uncertain significance for Malignant tumor of urinary bladder. Last evaluated: 2024-02-09. Review status: criteria provided, single submitter. Criteria: ACMG Guidelines, 2015. Collection method: clinical testing. Allele origin: unknown.

PreventionGenetics, part of Exact Sciences
Classification: Uncertain significance for RB1-related condition. Last evaluated: 2023-04-07. Review status: criteria provided, single submitter. Criteria: ACMG Guidelines, 2015. Collection method: clinical testing. Allele origin: germline.
Comment: The RB1 c.2615T>C variant is predicted to result in the amino acid substitution p.Leu872Pro. To our knowledge, this variant has not been reported in the literature. This variant is reported in 0.00088% of alleles in individuals of European (Non-Finnish) descent in gnomAD and in ClinVar this variant has been interpreted as uncertain. At this time, the clinical significance of this variant is uncertain due to the absence of conclusive functional and genetic evidence.

NM_000321.3(RB1):c.2615T>C (p.Leu872Pro)

Gene: RB1 (RB transcriptional corepressor 1; plus strand). Cytogenetic location: 13q14.2.
Variant type: single nucleotide variant.
Coding change: c.2615T>C on transcript NM_000321.3 (MANE Select); coding-DNA position 2615, T replaced by C.
Protein change: p.Leu872Pro; replaces leucine 872 with proline.
Molecular consequence: missense variant.
Genome position (GRCh38, 1-based): chr13:48,476,795, T>C. VCF-style: chr13-48476795-T-C. GRCh37 (hg19) VCF-style: chr13-49050931-T-C.
Other names: short protein forms L872P.
Identifiers: ClinVar variation 821572 (VCV000821572.17), dbSNP rs1470516350, ClinGen allele CA388157474.